The following is an entry in ClinVar:

ClinVar aggregate classification (germline): Uncertain significance (1 of 4 stars; one submission).

Submission:

GeneDx
Classification: Uncertain significance. Last evaluated: 2023-08-08. Review status: criteria provided, single submitter. Criteria: GeneDx Variant Classification Process June 2021. Collection method: clinical testing. Allele origin: germline. Affected: yes.
Comment: Not observed at significant frequency in large population cohorts (gnomAD); In silico analysis supports that this missense variant has a deleterious effect on protein structure/function; Has not been previously published as pathogenic or benign to our knowledge

NM_000489.6(ATRX):c.6020C>T (p.Thr2007Ile)

Gene: ATRX (ATRX chromatin remodeler; minus strand). Cytogenetic location: Xq21.1.
Variant type: single nucleotide variant.
Coding change: c.6020C>T on transcript NM_000489.6 (MANE Select); coding-DNA position 6020, C replaced by T.
Protein change: p.Thr2007Ile; replaces threonine 2007 with isoleucine.
Molecular consequence: missense variant.
Genome position (GRCh38, 1-based): chrX:77,593,786, G>A on the plus strand (C>T on the coding strand, the complement: ATRX is on the minus strand). VCF-style: chrX-77593786-G-A. GRCh37 (hg19) VCF-style: chrX-76849256-G-A.
Other names: c.5906C>T, p.Thr1969Ile (NM_138270.5); short protein forms T1969I, T2007I.
Identifiers: ClinVar variation 3361896 (VCV003361896.1).